The following is an entry in ClinVar:

NM_020822.3(KCNT1):c.819C>G (p.Ile273Met)

Gene: KCNT1 (potassium sodium-activated channel subfamily T member 1; plus strand). Cytogenetic location: 9q34.3.
Variant type: single nucleotide variant.
Coding change: c.819C>G on transcript NM_020822.3 (MANE Select); coding-DNA position 819, C replaced by G.
Protein change: p.Ile273Met; replaces isoleucine 273 with methionine.
Molecular consequence: missense variant.
Genome position (GRCh38, 1-based): chr9:135,758,473, C>G. VCF-style: chr9-135758473-C-G. GRCh37 (hg19) VCF-style: chr9-138650319-C-G.
Other names: c.675C>G, p.Ile225Met (NM_001272003.2); short protein forms I225M, I273M.
Identifiers: ClinVar variation 2132119 (VCV002132119.4), dbSNP rs752046474, ClinGen allele CA375498244.

ClinVar aggregate classification (germline): Uncertain significance (1 of 4 stars; one submission).

Conditions:
Autosomal dominant nocturnal frontal lobe epilepsy 5. Also called: Epilepsy, nocturnal frontal lobe, 5; KCNT1-Related Epilepsy; CILIARY DYSKINESIA, PRIMARY, 28, WITHOUT SITUS INVERSUS; CILIARY DYSKINESIA, PRIMARY, 28, WITH SITUS INVERSUS. Identifiers: Orphanet 98784, MedGen C3554306, MONDO:0014002, OMIM 615005.
Developmental and epileptic encephalopathy, 14 (DEE14). Also called: Early infantile epileptic encephalopathy 14. Identifiers: Orphanet 293181, MedGen C3554195, MONDO:0013989, OMIM 614959.

Submission:

Labcorp Genetics (formerly Invitae), Labcorp
Classification: Uncertain significance for Autosomal dominant nocturnal frontal lobe epilepsy 5; Developmental and epileptic encephalopathy, 14. Last evaluated: 2024-01-02. Review status: criteria provided, single submitter. Criteria: Invitae Variant Classification Sherloc (09022015). Collection method: clinical testing. Allele origin: germline.
Comment: This sequence change replaces isoleucine, which is neutral and non-polar, with methionine, which is neutral and non-polar, at codon 273 of the KCNT1 protein (p.Ile273Met). This variant is not present in population databases (gnomAD no frequency). This variant has not been reported in the literature in individuals affected with KCNT1-related conditions. ClinVar contains an entry for this variant (Variation ID: 2132119). Advanced modeling of protein sequence and biophysical properties (such as structural, functional, and spatial information, amino acid conservation, physicochemical variation, residue mobility, and thermodynamic stability) performed at Invitae indicates that this missense variant is not expected to disrupt KCNT1 protein function with a negative predictive value of 80%. In summary, the available evidence is currently insufficient to determine the role of this variant in disease. Therefore, it has been classified as a Variant of Uncertain Significance.